The following is an entry in ClinVar:

NM_206933.4(USH2A):c.12122T>C (p.Ile4041Thr)

Gene: USH2A (usherin; minus strand). Cytogenetic location: 1q41.
Variant type: single nucleotide variant.
Coding change: c.12122T>C on transcript NM_206933.4 (MANE Select); coding-DNA position 12122, T replaced by C.
Protein change: p.Ile4041Thr; replaces isoleucine 4041 with threonine.
Molecular consequence: missense variant.
Genome position (GRCh38, 1-based): chr1:215,680,321, A>G on the plus strand (T>C on the coding strand, the complement: USH2A is on the minus strand). VCF-style: chr1-215680321-A-G. GRCh37 (hg19) VCF-style: chr1-215853663-A-G.
Other names: short protein forms I4041T.
Identifiers: ClinVar variation 618480 (VCV000618480.8), dbSNP rs1558051246, ClinGen allele CA344816620.
Genomic context (GRCh38, chr1:215,680,321, plus strand): 5'-GTTTGAATCAGAGTCCAAGGGCTTAAAATTTCTCCTGCATGGTTTGCAGCCACAACACCA[A>G]TGCGATATGTTGTGAATGGTTCTAACCCGTACAGGTGGGCTTGATGGCTTGTTCCCTGTA-3'
Protein context (NP_996816.3, residues 4031-4051): YGLEPFTTYR[Ile4041Thr]GVVAANHAGE

ClinVar aggregate classification (germline): Uncertain significance (1 of 4 stars; one submission).

Submission:

ARUP Laboratories, Molecular Genetics and Genomics, ARUP Laboratories
Classification: Uncertain significance. Last evaluated: 2018-05-26. Review status: criteria provided, single submitter. Criteria: ARUP Molecular Germline Variant Investigation Process. Collection method: clinical testing. Allele origin: germline.
Comment: The p.Ile4041Thr variant has not been reported in the medical literature, gene specific variation databases, nor has it been previously identified by our laboratory. It is absent from general population databases such as 1000 Genomes, NHLBI GO Exome Sequencing Project (ESP), and the Genome Aggregation Database (gnomAD). The isoleucine at position 4041 is moderately conserved considering 12 species (Alamut v2.11) and computational analyses of the effects of the p.Ile4041Thr variant on protein structure and function provide conflicting results (SIFT: tolerated, PolyPhen-2: possibly damaging). Altogether, there is not enough evidence to classify the p.Ile4041Thr variant with certainty.